The following is an entry in ClinVar:

NM_000051.4(ATM):c.7211A>C (p.Tyr2404Ser)

Genes: ATM (ATM serine/threonine kinase; plus strand), C11orf65 (chromosome 11 open reading frame 65; minus strand). Cytogenetic location: 11q22.3.
Variant type: single nucleotide variant.
Coding change: c.7211A>C on transcript NM_000051.4 (MANE Select); coding-DNA position 7211, A replaced by C.
Protein change: p.Tyr2404Ser; replaces tyrosine 2404 with serine.
Molecular consequence: missense variant. On other transcripts: intron variant (2).
Genome position (GRCh38, 1-based): chr11:108,329,142, A>C. VCF-style: chr11-108329142-A-C. GRCh37 (hg19) VCF-style: chr11-108199869-A-C.
Other names: c.7211A>C, p.Tyr2404Ser (NM_001351834.2); c.641-20071T>G (NM_001330368.2); c.*38+6078T>G (NM_001351110.2); short protein forms Y2404S.
Identifiers: ClinVar variation 4882581 (VCV004882581.2).

ClinVar aggregate classification (germline): Uncertain significance (1 of 4 stars; one submission).

Conditions:
ATM-related cancer predisposition. Also called: ATM-related cancer susceptibility. Identifiers: MedGen CN377759, MONDO:0700270.

Submission:

Dasa
Classification: Uncertain significance for ATM-related cancer predisposition. Last evaluated: 2025-12-01. Review status: criteria provided, single submitter. Criteria: DASA Assertion Criteria. Collection method: clinical testing. Allele origin: germline.
Comment: NM_000051.4(ATM):c.7211A>C (p.Tyr2404Ser) is a missense variant that results in the substitution of tyrosine with serine. This variant is absent from population databases. Computational prediction algorithms are consistent with a deleterious effect. The currently available literature and clinical evidence are not sufficient to establish a definitive association between this variant and the reported condition. Therefore, this variant is classified as a variant of uncertain significance.